The following is an entry in ClinVar:

ClinVar aggregate classification (germline): Uncertain significance. Review status: criteria provided, multiple submitters, no conflicts (2 of 4 stars). 3 submissions from 3 submitters: Uncertain significance (2). 1 of the submissions does not count toward it. Last evaluated 2025-03-13.

Conditions:
Meckel-Gruber syndrome. Also called: GRUBER SYNDROME; DYSENCEPHALIA SPLANCHNOCYSTICA; Dysencephalia splachnocystica. Identifiers: Orphanet 564, MedGen C0265215, MONDO:0018921.
Joubert syndrome. Also called: Familial aplasia of the vermis; JOUBERT-BOLTSHAUSER SYNDROME. Identifiers: Orphanet 475, MedGen C5979921, MONDO:0018772.
MKS1-related disorder. Also called: MKS1-related disorders; MKS1-related condition. Identifiers: MedGen CN239382.
Meckel syndrome, type 1 (MKS1). Also called: MECKEL-GRUBER SYNDROME, TYPE 1. Identifiers: Orphanet 564, MedGen C3714506, MONDO:0009571, OMIM 249000.

Allele frequency attached by ClinVar (database versions not stated): gnomAD 0.00001.
gnomAD v4.1: 11 of 1,612,706 alleles (0.00068%); no homozygotes.

Submissions (3):

PreventionGenetics, part of Exact Sciences
Classification: Uncertain significance for MKS1-related condition. Last evaluated: 2025-03-13. Review status: criteria provided, single submitter. Criteria: ACMG Guidelines, 2015. Collection method: clinical testing. Allele origin: germline.
Comment: The MKS1 c.1657C>T variant is predicted to result in the amino acid substitution p.Pro553Ser. To our knowledge, this variant has not been reported in the literature or in a large population database, indicating this variant is rare. At this time, the clinical significance of this variant is uncertain due to the absence of conclusive functional and genetic evidence.

Labcorp Genetics (formerly Invitae), Labcorp
Classification: Uncertain significance for Joubert syndrome; Meckel-Gruber syndrome. Last evaluated: 2024-08-05. Review status: criteria provided, single submitter. Criteria: Invitae Variant Classification Sherloc (09022015). Collection method: clinical testing. Allele origin: germline.
Comment: This sequence change replaces proline, which is neutral and non-polar, with serine, which is neutral and polar, at codon 553 of the MKS1 protein (p.Pro553Ser). This variant is not present in population databases (gnomAD no frequency). This variant has not been reported in the literature in individuals affected with MKS1-related conditions. ClinVar contains an entry for this variant (Variation ID: 850615). Advanced modeling of protein sequence and biophysical properties (such as structural, functional, and spatial information, amino acid conservation, physicochemical variation, residue mobility, and thermodynamic stability) performed at Invitae indicates that this missense variant is not expected to disrupt MKS1 protein function with a negative predictive value of 95%. In summary, the available evidence is currently insufficient to determine the role of this variant in disease. Therefore, it has been classified as a Variant of Uncertain Significance.

Natera, Inc.
Classification: Uncertain significance for Meckel syndrome type 1. Last evaluated: 2021-05-20. Review status: no assertion criteria provided. Collection method: clinical testing. Allele origin: germline. Not counted in ClinVar's aggregate classification.

NM_017777.4(MKS1):c.1657C>T (p.Pro553Ser)

Gene: MKS1 (MKS transition zone complex subunit 1; minus strand). Cytogenetic location: 17q22.
Variant type: single nucleotide variant.
Coding change: c.1657C>T on transcript NM_017777.4 (MANE Select); coding-DNA position 1657, C replaced by T.
Protein change: p.Pro553Ser; replaces proline 553 with serine.
Molecular consequence: missense variant. On other transcripts: 3 prime UTR variant (1).
Genome position (GRCh38, 1-based): chr17:58,206,102, G>A on the plus strand (C>T on the coding strand, the complement: MKS1 is on the minus strand). VCF-style: chr17-58206102-G-A. GRCh37 (hg19) VCF-style: chr17-56283463-G-A.
Other names: c.1048C>T, p.Pro350Ser (NM_001321268.2); c.1574C>T, p.Pro525Leu (NM_001321269.2); c.*69C>T (NM_001330397.2); short protein forms P553S, P350S, P525L.
Identifiers: ClinVar variation 850615 (VCV000850615.10), dbSNP rs915370426, ClinGen allele CA292007360.